The following is an entry in ClinVar:

NM_001267550.2(TTN):c.90265G>A (p.Glu30089Lys)

Genes: TTN (titin; minus strand), TTN-AS1 (TTN antisense RNA 1; plus strand). Cytogenetic location: 2q31.2.
Variant type: single nucleotide variant.
Coding change: c.90265G>A on transcript NM_001267550.2 (MANE Select); coding-DNA position 90265, G replaced by A.
Protein change: p.Glu30089Lys; replaces glutamic acid 30089 with lysine.
Molecular consequence: missense variant.
Genome position (GRCh38, 1-based): chr2:178,552,635, C>T on the plus strand (G>A on the coding strand, the complement: TTN is on the minus strand). VCF-style: chr2-178552635-C-T. GRCh37 (hg19) VCF-style: chr2-179417362-C-T.
Other names: p.E28448K:GAG>AAG; c.85342G>A, p.Glu28448Lys (NM_001256850.1); c.63070G>A, p.Glu21024Lys (NM_003319.4); c.82561G>A, p.Glu27521Lys (NM_133378.4); c.63445G>A, p.Glu21149Lys (NM_133432.3); c.63646G>A, p.Glu21216Lys (NM_133437.4); c.90265G>A (NM_001267550.1); short protein forms E28448K, E30089K, E21216K, E21024K, E27521K, E21149K.
Identifiers: ClinVar variation 202966 (VCV000202966.5), dbSNP rs377281790, ClinGen allele CA310834.
Genomic context (GRCh38, chr2:178,552,635, plus strand): 5'-TCTCATTTTTGGCAAACACTCTGAACTCCAGGACTGACTGCTCCTTAAGTTGGCTAACCT[C>T]AATTTCACATGTCTTACTTATGCCAGCGTGGGACCACGTCTGTTCACCTTTACCTTTCCT-3'
Protein context (NP_001254479.2, residues 30079-30099): HAGISKTCEI[Glu30089Lys]VSQLKEQSVL

ClinVar aggregate classification (germline): Uncertain significance. Review status: criteria provided, single submitter (1 of 4 stars). 2 submissions from 2 submitters: Uncertain significance (1). 1 of the submissions does not count toward it. Last evaluated 2025-07-11.

Conditions:
TTN-related disorder. Also called: TTN-related disorders; TTN-related condition; TTN-related disease.

gnomAD v4.1: 5 of 1,613,934 alleles (0.00031%); highest among the groups gnomAD compares: South Asian, 0.0011%; no homozygotes.

Submissions (2):

GeneDx
Classification: Uncertain significance. Last evaluated: 2025-07-11. Review status: criteria provided, single submitter. Criteria: GeneDx Variant Classification Process June 2021. Collection method: clinical testing. Allele origin: germline. Affected: yes.
Comment: Not observed at significant frequency in large population cohorts (gnomAD); Missense variant in a gene in which most reported pathogenic variants are truncating/loss of function; Has not been previously published as pathogenic or benign to our knowledge

PreventionGenetics, part of Exact Sciences
Classification: Uncertain significance for TTN-related condition. Last evaluated: 2024-02-26. Review status: no assertion criteria provided. Collection method: clinical testing. Allele origin: germline. Not counted in ClinVar's aggregate classification.
Comment: The TTN c.90265G>A variant is predicted to result in the amino acid substitution p.Glu30089Lys. To our knowledge, this variant has not been reported in the literature or in a large population database, indicating this variant is rare. At this time, the clinical significance of this variant is uncertain due to the absence of conclusive functional and genetic evidence.